The following is an entry in ClinVar:

NC_000023.10:g.(31279134_31341714)_(31645980_31676106)dup

Gene: DMD (dystrophin; minus strand). Cytogenetic location: Xp21.2-21.1.
Variant type: Duplication.
Identifiers: ClinVar variation 1343582 (VCV001343582.1).

ClinVar aggregate classification (germline): Uncertain significance (1 of 4 stars; one submission).

Submission:

Women's Health and Genetics/Laboratory Corporation of America, LabCorp
Classification: Uncertain significance. Last evaluated: 2022-02-02. Review status: criteria provided, single submitter. Criteria: LabCorp Variant Classification Summary - May 2015. Collection method: clinical testing. Allele origin: germline.
Comment: Variant summary: The variant identified by MLPA or other technology involves the duplication of exons 55-62 in the DMD gene. A presumed nomenclature of c.(8027+1_8028-1)_(9224+1_9225-1)dup has been designated for the purposes of this classification. It has been assumed that this is a tandem duplication in direct orientation (Richardson_GIM_2018, Newman_AJHG_2015). Although exact breakpoints of this duplication are not known, it is expected to result in a large in-frame duplication change in the DMD gene, affecting the rod domain, which is comprised of 24 spectrin-like repeats, interspersed with 4 hinge domains (InterPro). The variant was absent in 15814 control chromosomes (gnomAD database, Structural Variants dataset). The available data on variant occurrences in the general population are insufficient to allow any conclusion about variant significance. To our knowledge, no occurrence of c.(8027+1_8028-1)_(9224+1_9225-1)dup in individuals affected with Dystrophinopathies and no experimental evidence demonstrating its impact on protein function have been reported. No clinical diagnostic laboratories have submitted clinical-significance assessments for this variant to ClinVar after 2014. Based on the evidence outlined above, the variant was classified as uncertain significance.